The following is an entry in ClinVar:

ClinVar aggregate classification (germline): Likely benign (1 of 4 stars; one submission).

Conditions:
SH2B1-related disorder. Also called: SH2B1-related condition.

Submission:

PreventionGenetics, part of Exact Sciences
Classification: Likely benign for SH2B1-related condition. Last evaluated: 2025-03-19. Review status: criteria provided, single submitter. Criteria: ACMG Guidelines, 2015. Collection method: clinical testing. Allele origin: germline.
Comment: This variant is classified as likely benign based on ACMG/AMP sequence variant interpretation guidelines (Richards et al. 2015 PMID: 25741868, with internal and published modifications).

NM_001387430.1(SH2B1):c.1831T>C (p.Leu611=)

Gene: SH2B1 (SH2B adaptor protein 1; plus strand). Cytogenetic location: 16p11.2.
Variant type: single nucleotide variant.
Coding change: c.1831T>C on transcript NM_001387430.1 (MANE Select); coding-DNA position 1831, T replaced by C.
Protein change: p.Leu611=; no amino-acid change (leucine 611 retained).
Molecular consequence: synonymous variant.
Genome position (GRCh38, 1-based): chr16:28,872,639, T>C. VCF-style: chr16-28872639-T-C. GRCh37 (hg19) VCF-style: chr16-28883960-T-C.
Other names: c.1831T>C, p.Leu611= (NM_001145795.2, NM_001145796.2, NM_001145797.2 and 4 more transcripts); c.823T>C, p.Leu275= (NM_001308294.2).
Identifiers: ClinVar variation 4979619 (VCV004979619.1).